The following is an entry in ClinVar:

ClinVar aggregate classification (germline): Uncertain significance. Review status: criteria provided, multiple submitters, no conflicts (2 of 4 stars). 3 submissions from 3 submitters: Uncertain significance (3). Last evaluated 2025-05-30.

Conditions:
Hereditary cancer-predisposing syndrome. Also called: Hereditary Cancer Syndrome; Neoplastic Syndromes, Hereditary; Hereditary neoplastic syndrome; Tumor predisposition. Identifiers: Orphanet 140162, MedGen C0027672, MeSH D009386, MONDO:0015356.
POLD1-related polyposis and colorectal cancer syndrome (CRCS10). Also called: COLORECTAL CANCER, SUSCEPTIBILITY TO, ON CHROMOSOME 19q; Colorectal cancer 10; Colorectal cancer, susceptibility to, 10. Identifiers: Orphanet 220460, MedGen C2675481, MONDO:0012953, OMIM 612591.

Allele frequency attached by ClinVar (database versions not stated): gnomAD exomes below 0.00001.
gnomAD v4.1: 2 of 1,549,900 alleles (0.00013%); highest among the groups gnomAD compares: Non-Finnish European, 0.000087%; no homozygotes.

Submissions (3):

Labcorp Genetics (formerly Invitae), Labcorp
Classification: Uncertain significance for POLD1-related polyposis and colorectal cancer syndrome. Last evaluated: 2025-05-30. Review status: criteria provided, single submitter. Criteria: Invitae Variant Classification Sherloc (09022015). Collection method: clinical testing. Allele origin: germline.
Comment: This sequence change replaces isoleucine, which is neutral and non-polar, with valine, which is neutral and non-polar, at codon 952 of the POLD1 protein (p.Ile952Val). This variant is not present in population databases (gnomAD no frequency). This variant has not been reported in the literature in individuals affected with POLD1-related conditions. ClinVar contains an entry for this variant (Variation ID: 246101). Invitae Evidence Modeling of protein sequence and biophysical properties (such as structural, functional, and spatial information, amino acid conservation, physicochemical variation, residue mobility, and thermodynamic stability) indicates that this missense variant is not expected to disrupt POLD1 protein function with a negative predictive value of 80%. In summary, the available evidence is currently insufficient to determine the role of this variant in disease. Therefore, it has been classified as a Variant of Uncertain Significance.

Ambry Genetics
Classification: Uncertain significance for Hereditary cancer-predisposing syndrome. Last evaluated: 2024-01-14. Review status: criteria provided, single submitter. Criteria: Ambry Variant Classification Scheme 2023. Collection method: clinical testing. Allele origin: germline.
Comment: The p.I952V variant (also known as c.2854A>G), located in coding exon 22 of the POLD1 gene, results from an A to G substitution at nucleotide position 2854. The isoleucine at codon 952 is replaced by valine, an amino acid with highly similar properties. This amino acid position is conserved. In addition, this alteration is predicted to be tolerated by in silico analysis. Since supporting evidence is limited at this time, the clinical significance of this alteration remains unclear.

GeneDx
Classification: Uncertain significance. Last evaluated: 2015-11-12. Review status: criteria provided, single submitter. Criteria: GeneDx Variant Classification (06012015). Collection method: clinical testing. Allele origin: germline. Affected: yes.
Comment: This variant is denoted POLD1 c.2854A>G at the cDNA level, p.Ile952Val (I952V) at the protein level, and results in the change of an Isoleucine to a Valine (ATT>GTT). This variant has not, to our knowledge, been published in the literature as pathogenic or benign. POLD1 Ile952Val was not observed in approximately 6,500 individuals of European and African American ancestry in the NHLBI Exome Sequencing Project, suggesting it is not a common benign variant in these populations. Since Isoleucine and Valine share similar properties, this is considered a conservative amino acid substitution. POLD1 Ile952Val occurs at a position that is conserved across species and is not located in a known functional domain (Tahirov 2009, Preston 2010, UniProt). In silico analyses predict that this variant is probably damaging to protein structure and function. Based on currently available evidence, it is unclear whether POLD1 Ile952Val is a pathogenic or benign variant. We consider it to be a variant of uncertain significance.

NM_002691.4(POLD1):c.2854A>G (p.Ile952Val)

Gene: POLD1 (DNA polymerase delta 1, catalytic subunit; plus strand). Cytogenetic location: 19q13.33.
Variant type: single nucleotide variant.
Coding change: c.2854A>G on transcript NM_002691.4 (MANE Select); coding-DNA position 2854, A replaced by G.
Protein change: p.Ile952Val; replaces isoleucine 952 with valine.
Molecular consequence: missense variant. On other transcripts: non-coding transcript variant (1).
Genome position (GRCh38, 1-based): chr19:50,416,429, A>G. VCF-style: chr19-50416429-A-G. GRCh37 (hg19) VCF-style: chr19-50919686-A-G.
Other names: c.2854A>G, p.Ile952Val (NM_001256849.1); c.2932A>G, p.Ile978Val (NM_001308632.1); c.2854A>G (NM_002691.2); short protein forms I952V, I978V.
Identifiers: ClinVar variation 246101 (VCV000246101.12), dbSNP rs879254101, ClinGen allele CA10584618.